The following is an entry in ClinVar:

NM_006231.4(POLE):c.6211C>A (p.Gln2071Lys)

Gene: POLE (DNA polymerase epsilon, catalytic subunit; minus strand). Cytogenetic location: 12q24.33.
Variant type: single nucleotide variant.
Coding change: c.6211C>A on transcript NM_006231.4 (MANE Select); coding-DNA position 6211, C replaced by A.
Protein change: p.Gln2071Lys; replaces glutamine 2071 with lysine.
Molecular consequence: missense variant.
Genome position (GRCh38, 1-based): chr12:132,632,434, G>T on the plus strand (C>A on the coding strand, the complement: POLE is on the minus strand). VCF-style: chr12-132632434-G-T. GRCh37 (hg19) VCF-style: chr12-133209020-G-T.
Other names: short protein forms Q2071K.
Identifiers: ClinVar variation 3661665 (VCV003661665.2).

ClinVar aggregate classification (germline): Uncertain significance (1 of 4 stars; one submission).

Submission:

Labcorp Genetics (formerly Invitae), Labcorp
Classification: Uncertain significance. Last evaluated: 2024-08-12. Review status: criteria provided, single submitter. Criteria: Invitae Variant Classification Sherloc (09022015). Collection method: clinical testing. Allele origin: germline.
Comment: This sequence change replaces glutamine, which is neutral and polar, with lysine, which is basic and polar, at codon 2071 of the POLE protein (p.Gln2071Lys). This variant is not present in population databases (gnomAD no frequency). This variant has not been reported in the literature in individuals affected with POLE-related conditions. Advanced modeling of protein sequence and biophysical properties (such as structural, functional, and spatial information, amino acid conservation, physicochemical variation, residue mobility, and thermodynamic stability) performed at Invitae indicates that this missense variant is not expected to disrupt POLE protein function with a negative predictive value of 80%. In summary, the available evidence is currently insufficient to determine the role of this variant in disease. Therefore, it has been classified as a Variant of Uncertain Significance.